The following is an entry in ClinVar:

ClinVar aggregate classification (germline): Uncertain significance (1 of 4 stars; one submission).

Conditions:
RASopathy. Also called: rasopathies; Noonan spectrum disorder. Identifiers: Orphanet 536391, MedGen C5555857, MONDO:0021060.

Submission:

Labcorp Genetics (formerly Invitae), Labcorp
Classification: Uncertain significance for RASopathy. Last evaluated: 2022-06-03. Review status: criteria provided, single submitter. Criteria: Invitae Variant Classification Sherloc (09022015). Collection method: clinical testing. Allele origin: germline.
Comment: In summary, the available evidence is currently insufficient to determine the role of this variant in disease. Therefore, it has been classified as a Variant of Uncertain Significance. Advanced modeling of protein sequence and biophysical properties (such as structural, functional, and spatial information, amino acid conservation, physicochemical variation, residue mobility, and thermodynamic stability) performed at Invitae indicates that this missense variant is not expected to disrupt MAP2K2 protein function. This variant has not been reported in the literature in individuals affected with MAP2K2-related conditions. This variant is not present in population databases (gnomAD no frequency). This sequence change replaces glutamine, which is neutral and polar, with glutamic acid, which is acidic and polar, at codon 189 of the MAP2K2 protein (p.Gln189Glu).

NM_030662.4(MAP2K2):c.565C>G (p.Gln189Glu)

Gene: MAP2K2 (mitogen-activated protein kinase kinase 2; minus strand). Cytogenetic location: 19p13.3.
Variant type: single nucleotide variant.
Coding change: c.565C>G on transcript NM_030662.4 (MANE Select); coding-DNA position 565, C replaced by G.
Protein change: p.Gln189Glu; replaces glutamine 189 with glutamic acid.
Molecular consequence: missense variant.
Genome position (GRCh38, 1-based): chr19:4,101,244, G>C on the plus strand (C>G on the coding strand, the complement: MAP2K2 is on the minus strand). VCF-style: chr19-4101244-G-C. GRCh37 (hg19) VCF-style: chr19-4101242-G-C.
Other names: short protein forms Q189E.
Identifiers: ClinVar variation 2002328 (VCV002002328.4), dbSNP rs2145055111, ClinGen allele CA403388925.